The following is an entry in ClinVar:

ClinVar aggregate classification (germline): Uncertain significance (1 of 4 stars; one submission).

Submission:

Dasa
Classification: Uncertain significance. Last evaluated: 2024-11-22. Review status: criteria provided, single submitter. Criteria: DASA Assertion Criteria. Collection method: clinical testing. Allele origin: germline.
Comment: NM_001379081.2(FREM1):c.2728A>T (p.Thr910Ser) is a missense variant that results in the substitution of threonine with serine. This variant is absent from population databases. Computational prediction algorithms are consistent with a benign effect. The currently available literature and clinical evidence are not sufficient to establish a definitive association between this variant and the reported condition. Therefore, this variant is classified as a variant of uncertain significance.

NM_001379081.2(FREM1):c.2728A>T (p.Thr910Ser)

Genes: FREM1 (FRAS1 related extracellular matrix 1; minus strand), LOC126860582 (P300/CBP strongly-dependent group 1 enhancer GRCh37_chr9:14812530-14813729; plus strand). Cytogenetic location: 9p22.3.
Variant type: single nucleotide variant.
Coding change: c.2728A>T on transcript NM_001379081.2 (MANE Select); coding-DNA position 2728, A replaced by T.
Protein change: p.Thr910Ser; replaces threonine 910 with serine.
Molecular consequence: missense variant. On other transcripts: non-coding transcript variant (2).
Genome position (GRCh38, 1-based): chr9:14,812,977, T>A on the plus strand (A>T on the coding strand, the complement: FREM1 is on the minus strand). VCF-style: chr9-14812977-T-A. GRCh37 (hg19) VCF-style: chr9-14812975-T-A.
Other names: c.2728A>T, p.Thr910Ser (NM_144966.7); short protein forms T910S.
Identifiers: ClinVar variation 4881501 (VCV004881501.2).